The following is an entry in ClinVar:

ClinVar aggregate classification (germline): Uncertain significance (1 of 4 stars; one submission).

Conditions:
Epileptic encephalopathy. Identifiers: MedGen C0543888, HP:0200134.

Allele frequency attached by ClinVar (database versions not stated): TOPMed 0.00003; gnomAD 0.00006 and 0.00007; gnomAD exomes 0.00006 and 0.00008; 1000 Genomes Project 30x 0.00016; 1000 Genomes Project 0.00020; ExAC 0.00025.
gnomAD v4.1: 95 of 1,577,854 alleles (0.006%); highest among the groups gnomAD compares: South Asian, 0.062%; no homozygotes.

Submission:

Labcorp Genetics (formerly Invitae), Labcorp
Classification: Uncertain significance for Epileptic encephalopathy. Last evaluated: 2025-04-17. Review status: criteria provided, single submitter. Criteria: Invitae Variant Classification Sherloc (09022015). Collection method: clinical testing. Allele origin: germline.
Comment: This sequence change replaces alanine, which is neutral and non-polar, with valine, which is neutral and non-polar, at codon 218 of the FASN protein (p.Ala218Val). The frequency data for this variant in the population databases is considered unreliable, as metrics indicate poor data quality at this position in the gnomAD database. This variant has not been reported in the literature in individuals affected with FASN-related conditions. ClinVar contains an entry for this variant (Variation ID: 841098). An algorithm developed to predict the effect of missense changes on protein structure and function (PolyPhen-2) suggests that this variant is likely to be tolerated. In summary, the available evidence is currently insufficient to determine the role of this variant in disease. Therefore, it has been classified as a Variant of Uncertain Significance.

NM_004104.5(FASN):c.653C>T (p.Ala218Val)

Gene: FASN (fatty acid synthase; minus strand). Cytogenetic location: 17q25.3.
Variant type: single nucleotide variant.
Coding change: c.653C>T on transcript NM_004104.5 (MANE Select); coding-DNA position 653, C replaced by T.
Protein change: p.Ala218Val; replaces alanine 218 with valine.
Molecular consequence: missense variant.
Genome position (GRCh38, 1-based): chr17:82,093,221, G>A on the plus strand (C>T on the coding strand, the complement: FASN is on the minus strand). VCF-style: chr17-82093221-G-A. GRCh37 (hg19) VCF-style: chr17-80051097-G-A.
Other names: short protein forms A218V.
Identifiers: ClinVar variation 841098 (VCV000841098.10), dbSNP rs566134569, ClinGen allele CA8853467.